The following is an entry in ClinVar:

NM_032119.4(ADGRV1):c.4351A>G (p.Ser1451Gly)

Gene: ADGRV1 (adhesion G protein-coupled receptor V1; plus strand). Cytogenetic location: 5q14.3.
Variant type: single nucleotide variant.
Coding change: c.4351A>G on transcript NM_032119.4 (MANE Select); coding-DNA position 4351, A replaced by G.
Protein change: p.Ser1451Gly; replaces serine 1451 with glycine.
Molecular consequence: missense variant. On other transcripts: non-coding transcript variant (1).
Genome position (GRCh38, 1-based): chr5:90,653,925, A>G. VCF-style: chr5-90653925-A-G. GRCh37 (hg19) VCF-style: chr5-89949742-A-G.
Other names: short protein forms S1451G.
Identifiers: ClinVar variation 1450876 (VCV001450876.3), dbSNP rs2149468870, ClinGen allele CA360402374.
Genomic context (GRCh38, chr5:90,653,925, plus strand): 5'-CTGGAGGATGGTATAATCGAATTCTACCTGGATGGAAATGCAATGCCCAGGGGAATCAAG[A>G]GTCTGAAAGGAGAAGCCATTACTGACGGTGAGGGTCATCATCACAACTAGGACACTGAAA-3'
Protein context (NP_115495.3, residues 1441-1461): DGNAMPRGIK[Ser1451Gly]LKGEAITDGP

ClinVar aggregate classification (germline): Uncertain significance (1 of 4 stars; one submission).

Submission:

Labcorp Genetics (formerly Invitae), Labcorp
Classification: Uncertain significance. Last evaluated: 2022-06-27. Review status: criteria provided, single submitter. Criteria: Invitae Variant Classification Sherloc (09022015). Collection method: clinical testing. Allele origin: germline.
Comment: This sequence change replaces serine, which is neutral and polar, with glycine, which is neutral and non-polar, at codon 1451 of the ADGRV1 protein (p.Ser1451Gly). This variant is not present in population databases (gnomAD no frequency). This variant has not been reported in the literature in individuals affected with ADGRV1-related conditions. Algorithms developed to predict the effect of missense changes on protein structure and function are either unavailable or do not agree on the potential impact of this missense change (SIFT: "Deleterious"; PolyPhen-2: "Possibly Damaging"; Align-GVGD: "Class C0"). In summary, the available evidence is currently insufficient to determine the role of this variant in disease. Therefore, it has been classified as a Variant of Uncertain Significance.